The following is an entry in ClinVar:

NM_000283.4(PDE6B):c.1895T>C (p.Phe632Ser)

Gene: PDE6B (phosphodiesterase 6B; plus strand). Cytogenetic location: 4p16.3.
Variant type: single nucleotide variant.
Coding change: c.1895T>C on transcript NM_000283.4 (MANE Select); coding-DNA position 1895, T replaced by C.
Protein change: p.Phe632Ser; replaces phenylalanine 632 with serine.
Molecular consequence: missense variant.
Genome position (GRCh38, 1-based): chr4:663,162, T>C. VCF-style: chr4-663162-T-C. GRCh37 (hg19) VCF-style: chr4-656951-T-C.
Other names: NM_000283.4(PDE6B):c.1895T>C; p.Phe632Ser; c.1895T>C, p.Phe632Ser (NM_001145291.2); c.1058T>C, p.Phe353Ser (NM_001145292.2, NM_001350154.3, NM_001379246.1 and 1 more transcripts); c.740T>C, p.Phe247Ser (NM_001350155.3); short protein forms F247S, F353S, F632S.
Identifiers: ClinVar variation 1065703 (VCV001065703.9), dbSNP rs773420808, ClinGen allele CA2794743.
Genomic context (GRCh38, chr4:663,162, plus strand): 5'-CCCAGAACCCCTTGGCTAAGCTCCACGGCTCCTCGATTTTGGAGCGGCACCACCTGGAGT[T>C]TGGGAAGTTCCTGCTCTCGGAGGAGGTTGGTATACTCACCCTCGGTTTCTGCTGTGGGCG-3'
Protein context (NP_000274.3, residues 622-642): SSILERHHLE[Phe632Ser]GKFLLSEETL

ClinVar aggregate classification (germline): Uncertain significance. Review status: criteria provided, multiple submitters, no conflicts (2 of 4 stars). 5 submissions from 5 submitters: Uncertain significance (5). Last evaluated 2025-11-10.

Conditions:
PDE6B-related disorder. Also called: PDE6B-related disease; PDE6B-related condition; PDE6B-related disorders.
Retinitis pigmentosa 40 (RP40). Identifiers: Orphanet 791, MedGen C3151107, MONDO:0013429, OMIM 613801.

Allele frequency attached by ClinVar (database versions not stated): ExAC 0.00001; gnomAD 0.00001; gnomAD exomes 0.00001; TOPMed 0.00001.

Submissions (5):

Labcorp Genetics (formerly Invitae), Labcorp
Classification: Uncertain significance. Last evaluated: 2025-11-10. Review status: criteria provided, single submitter. Criteria: Invitae Variant Classification Sherloc (09022015). Collection method: clinical testing. Allele origin: germline.
Comment: This sequence change replaces phenylalanine, which is neutral and non-polar, with serine, which is neutral and polar, at codon 632 of the PDE6B protein (p.Phe632Ser). This variant is present in population databases (rs773420808, gnomAD 0.0009%). This missense change has been observed in individuals with autosomal recessive inherited retinal dystrophy (PMID: 25472526, 34906470). ClinVar contains an entry for this variant (Variation ID: 1065703). Invitae Evidence Modeling of protein sequence and biophysical properties (such as structural, functional, and spatial information, amino acid conservation, physicochemical variation, residue mobility, and thermodynamic stability) has been performed for this missense variant. However, the output from this modeling did not meet the statistical confidence thresholds required to predict the impact of this variant on PDE6B protein function. In summary, the available evidence is currently insufficient to determine the role of this variant in disease. Therefore, it has been classified as a Variant of Uncertain Significance.

Broad Center for Mendelian Genomics, Broad Institute of MIT and Harvard
Classification: Uncertain significance for Retinitis pigmentosa 40. Last evaluated: 2025-06-23. Review status: criteria provided, single submitter. Criteria: ACMG Guidelines, 2015. Collection method: curation. Allele origin: germline. Inheritance: Autosomal recessive inheritance. Study: GREGoR Consortium.
Comment: Genome analysis revealed that this variant was in trans with the likely pathogenic variant. The variant in PDE6B has been reported in 1 individual with retinitis pigmentosa (PMID: 25472526), and has been identified in 0.001% (13/1175612) of European (non-Finnish) chromosomes by the Genome Aggregation Database (gnomAD; dbSNP rs773420808). Although this variant has been seen in the general population in a heterozygous state, its frequency is low enough to be consistent with a recessive carrier frequency. This variant has also been reported in ClinVar (Variation ID: 1065703) and has been interpreted as a variant of uncertain significance by Ocular Genomics Institute (Massachusetts Eye and Ear) and Labcorp Genetics. Of the 2 affected individuals, both were compound heterozygotes that carried a pathogenic/likely pathogenic variant in trans or with unknown phase, which increases the likelihood that the p.Phe632Ser variant is pathogenic (VCV000986375.4, VCV000866937.1; PMID: 25472526). Computational prediction tools and conservation analyses suggest that this variant may impact the protein, though this information is not predictive enough to determine pathogenicity. In summary, the clinical significance of the p.Phe632Ser variant is uncertain. ACMG/AMP Criteria applied: PM3, PP3, PM2_supporting (Richards 2015).

PreventionGenetics, part of Exact Sciences
Classification: Uncertain significance for PDE6B-related condition. Last evaluated: 2025-05-28. Review status: criteria provided, single submitter. Criteria: ACMG Guidelines, 2015. Collection method: clinical testing. Allele origin: germline.
Comment: The PDE6B c.1895T>C variant is predicted to result in the amino acid substitution p.Phe632Ser. This variant was reported in at least two individuals with retinitis pigmentosa or retinal degeneration (Zhao et al. 2015. PubMed ID: 25472526; Supplementary Table 3, Zampaglione et al. 2021. PubMed ID: 34906470). This variant has not been reported in a large population database (gnomAD), indicating this variant is rare. At this time, the clinical significance of this variant is uncertain due to the absence of conclusive functional and genetic evidence.

Ocular Genomics Institute, Massachusetts Eye and Ear
Classification: Uncertain significance for Retinitis pigmentosa 40. Last evaluated: 2021-04-08. Review status: criteria provided, single submitter. Criteria: ACMG Guidelines, 2015. Collection method: research. Allele origin: germline. Affected: yes.
Comment: Through a review of available evidence we were able to apply the following criteria: PM2. Based on this evidence we have classified this variant as Variant of Uncertain Significance.

Blueprint Genetics
Classification: Uncertain significance. Last evaluated: 2020-02-18. Review status: criteria provided, single submitter. Criteria: ACMG Guidelines, 2015. Collection method: clinical testing. Allele origin: germline.

Literature cited by the submitters: PubMed 25472526 (cited by Labcorp Genetics (formerly Invitae), Labcorp and Ocular Genomics Institute, Massachusetts Eye and Ear); PubMed 34906470 (cited by Labcorp Genetics (formerly Invitae), Labcorp).